The following is an entry in ClinVar:

NM_000429.3(MAT1A):c.755T>C (p.Ile252Thr)

Gene: MAT1A (methionine adenosyltransferase 1A; minus strand). Cytogenetic location: 10q22.3.
Variant type: single nucleotide variant.
Coding change: c.755T>C on transcript NM_000429.3 (MANE Select); coding-DNA position 755, T replaced by C.
Protein change: p.Ile252Thr; replaces isoleucine 252 with threonine.
Molecular consequence: missense variant.
Genome position (GRCh38, 1-based): chr10:80,276,389, A>G on the plus strand (T>C on the coding strand, the complement: MAT1A is on the minus strand). VCF-style: chr10-80276389-A-G. GRCh37 (hg19) VCF-style: chr10-82036145-A-G.
Other names: short protein forms I252T.
Identifiers: ClinVar variation 2735426 (VCV002735426.3), dbSNP rs1355541304, ClinGen allele CA377361587.
Genomic context (GRCh38, chr10:80,276,389, plus strand): 5'-CCAGTAACAAAGACAAACCAGGGCTTCGTTCAGAGACAAGAATGCACCTGGGGACCTCCG[A>G]TGACAAACCGCCCACTGGGCTGCAGGTGGTAGACGGTGTCTTCGTCCAGGTACTTGGCCG-3'
Protein context (NP_000420.1, residues 242-262): YHLQPSGRFV[Ile252Thr]GGPQGDAGVT

ClinVar aggregate classification (germline): Uncertain significance (1 of 4 stars; one submission).

Conditions:
Hepatic methionine adenosyltransferase deficiency. Also called: MAT I/III DEFICIENCY; Deficiency of methionine adenosyltransferase; Isolated Persistent Hypermethioninemia; Methionine adenosyltransferase deficiency. Identifiers: Orphanet 168598, MedGen C0268621, MeSH C564683, MONDO:0009607, OMIM 250850.

Allele frequency attached by ClinVar (database versions not stated): gnomAD exomes below 0.00001; TOPMed below 0.00001.
gnomAD v4.1: 2 of 1,614,110 alleles (0.00012%); highest among the groups gnomAD compares: East Asian, 0.0045%; no homozygotes.

Submission:

Labcorp Genetics (formerly Invitae), Labcorp
Classification: Uncertain significance for Hepatic methionine adenosyltransferase deficiency. Last evaluated: 2023-10-13. Review status: criteria provided, single submitter. Criteria: Invitae Variant Classification Sherloc (09022015). Collection method: clinical testing. Allele origin: germline.
Comment: This sequence change replaces isoleucine, which is neutral and non-polar, with threonine, which is neutral and polar, at codon 252 of the MAT1A protein (p.Ile252Thr). This variant is present in population databases (no rsID available, gnomAD 0.006%). This missense change has been observed in individuals with autosomal dominant hypermethioninemia (PMID: 20675163, 35095998). Advanced modeling of protein sequence and biophysical properties (such as structural, functional, and spatial information, amino acid conservation, physicochemical variation, residue mobility, and thermodynamic stability) performed at Invitae indicates that this missense variant is not expected to disrupt MAT1A protein function. Experimental studies have shown that this missense change affects MAT1A function (PMID: 20675163). In summary, the available evidence is currently insufficient to determine the role of this variant in disease. Therefore, it has been classified as a Variant of Uncertain Significance.

Literature cited by the submitters: PubMed 20675163; PubMed 35095998.